The following is an entry in ClinVar:

NM_001204.7(BMPR2):c.*3350G>T

Gene: BMPR2 (bone morphogenetic protein receptor type 2; plus strand). Cytogenetic location: 2q33.2.
Variant type: single nucleotide variant.
Coding change: c.*3350G>T on transcript NM_001204.7 (MANE Select); 3350 bases downstream of the stop codon, G replaced by T.
Molecular consequence: 3 prime UTR variant.
Genome position (GRCh38, 1-based): chr2:202,563,296, G>T. VCF-style: chr2-202563296-G-T. GRCh37 (hg19) VCF-style: chr2-203428019-G-T.
Other names: c.*3350G>T (LRG_712t1).
Identifiers: ClinVar variation 333687 (VCV000333687.5), dbSNP rs143416345, ClinGen allele CA10613920.

ClinVar aggregate classification (germline): Benign (1 of 4 stars; one submission).

Conditions:
Pulmonary hypertension, primary, 1 (PPH1). Also called: Pulmonary hypertension, familial primary, 1, with or without HHT. Identifiers: Orphanet 422, MedGen C4552070, MONDO:0024533, OMIM 178600.

Allele frequency attached by ClinVar (database versions not stated): gnomAD 0.00635 and 0.00669; TOPMed 0.00706; 1000 Genomes Project 0.00819; 1000 Genomes Project 30x 0.00734.

Submission:

Illumina Laboratory Services, Illumina
Classification: Benign for Pulmonary hypertension, primary, 1. Last evaluated: 2018-01-12. Review status: criteria provided, single submitter. Criteria: ICSL Variant Classification Criteria 13 December 2019. Collection method: clinical testing. Allele origin: germline.
Comment: This variant was observed in the ICSL laboratory as part of a predisposition screen in an ostensibly healthy population. It had not been previously curated by ICSL or reported in the Human Gene Mutation Database (HGMD: prior to June 1st, 2018), and was therefore a candidate for classification through an automated scoring system. Utilizing variant allele frequency, disease prevalence and penetrance estimates, and inheritance mode, an automated score was calculated to assess if this variant is too frequent to cause the disease. Based on the score and internal cut-off values, a variant classified as benign is not then subjected to further curation. The score for this variant resulted in a classification of benign for this disease.